The following is an entry in ClinVar:

NM_003793.4(CTSF):c.56C>T (p.Ala19Val)

Gene: CTSF (cathepsin F; minus strand). Cytogenetic location: 11q13.2.
Variant type: single nucleotide variant.
Coding change: c.56C>T on transcript NM_003793.4 (MANE Select); coding-DNA position 56, C replaced by T.
Protein change: p.Ala19Val; replaces alanine 19 with valine.
Molecular consequence: missense variant.
Genome position (GRCh38, 1-based): chr11:66,568,431, G>A on the plus strand (C>T on the coding strand, the complement: CTSF is on the minus strand). VCF-style: chr11-66568431-G-A. GRCh37 (hg19) VCF-style: chr11-66335902-G-A.
Other names: short protein forms A19V.
Identifiers: ClinVar variation 1749152 (VCV001749152.2), dbSNP rs1590817613, ClinGen allele CA381468600.
Genomic context (GRCh38, chr11:66,568,431, plus strand): 5'-AGCTCCGGGGACGGCGGCCCCCAGGCCTGAAAGCTGGCGGCTCGGGGCTGGGCGGGGGCG[G>A]CCACTGCGCCCGGGAGCAGCCCCAGCAGCGACAGGAGCTGCAGCCAGGGCGCCATGGCGA-3'
Protein context (NP_003784.2, residues 9-29): SLLGLLPGAV[Ala19Val]APAQPRAASF

ClinVar aggregate classification (germline): Uncertain significance (1 of 4 stars; one submission).

Conditions:
Inborn genetic diseases. Identifiers: MedGen C0950123, MeSH D030342.

Submission:

Ambry Genetics
Classification: Uncertain significance for Inborn genetic diseases. Last evaluated: 2019-09-23. Review status: criteria provided, single submitter. Criteria: Ambry Variant Classification Scheme 2023. Collection method: clinical testing. Allele origin: germline.
Comment: The p.A19V variant (also known as c.56C>T), located in coding exon 1 of the CTSF gene, results from a C to T substitution at nucleotide position 56. The alanine at codon 19 is replaced by valine, an amino acid with similar properties. This amino acid position is not well conserved in available vertebrate species. In addition, this alteration is predicted to be tolerated by in silico analysis. Since supporting evidence is limited at this time, the clinical significance of this alteration remains unclear.